The following is an entry in ClinVar:

ClinVar aggregate classification (germline): Likely benign. Review status: criteria provided, single submitter (1 of 4 stars). 2 submissions from 2 submitters: Likely benign (1). 1 of the submissions does not count toward it. Last evaluated 2024-01-22.

Conditions:
ADAMTS3-related disorder. Also called: ADAMTS3-related condition.

Allele frequency attached by ClinVar (database versions not stated): gnomAD exomes 0.00001; ExAC 0.00002; gnomAD 0.00004; TOPMed 0.00005; 1000 Genomes Project 30x 0.00016; 1000 Genomes Project 0.00020.
gnomAD v4.1: 29 of 1,613,806 alleles (0.0018%); highest among the groups gnomAD compares: East Asian, 0.011%; 1 homozygote.

Submissions (2):

Blueprint Genetics
Classification: Likely benign. Last evaluated: 2024-01-22. Review status: criteria provided, single submitter. Criteria: ACMG Guidelines, 2015. Collection method: clinical testing. Allele origin: germline.

PreventionGenetics, part of Exact Sciences
Classification: Likely benign for ADAMTS3-related condition. Last evaluated: 2019-06-12. Review status: no assertion criteria provided. Collection method: clinical testing. Allele origin: germline. Not counted in ClinVar's aggregate classification.
Comment: This variant is classified as likely benign based on ACMG/AMP sequence variant interpretation guidelines (Richards et al. 2015 PMID: 25741868, with internal and published modifications).

NM_014243.3(ADAMTS3):c.690A>C (p.Leu230=)

Gene: ADAMTS3 (ADAM metallopeptidase with thrombospondin type 1 motif 3; minus strand). Cytogenetic location: 4q13.3.
Variant type: single nucleotide variant.
Coding change: c.690A>C on transcript NM_014243.3 (MANE Select); coding-DNA position 690, A replaced by C.
Protein change: p.Leu230=; no amino-acid change (leucine 230 retained).
Molecular consequence: synonymous variant.
Genome position (GRCh38, 1-based): chr4:72,339,665, T>G on the plus strand (A>C on the coding strand, the complement: ADAMTS3 is on the minus strand). VCF-style: chr4-72339665-T-G. GRCh37 (hg19) VCF-style: chr4-73205382-T-G.
Identifiers: ClinVar variation 3033688 (VCV003033688.3), dbSNP rs373627945, ClinGen allele CA2957174.
Genomic context (GRCh38, chr4:72,339,665, plus strand): 5'-GTGTCTGCGGCGTCTCATTGTTTCATTCAGCTGCTGGTGGATGTTGCCATAAACAGTACC[T>G]AGATCATCAAGGCCTTCCAGGTCCGACTCTAATAAGAGACAAAAGGAACCAGGAATTTCA-3'
Protein context (NP_055058.2, residues 220-240): RESDLEGLDD[Leu230=]GTVYGNIHQQ